The following is an entry in ClinVar:

ClinVar aggregate classification (germline): Uncertain significance (1 of 4 stars; one submission).

Conditions:
Hereditary cancer-predisposing syndrome. Also called: Hereditary Cancer Syndrome; Hereditary neoplastic syndrome; Tumor predisposition; Neoplastic Syndromes, Hereditary. Identifiers: Orphanet 140162, MedGen C0027672, MeSH D009386, MONDO:0015356.

Allele frequency attached by ClinVar (database versions not stated): TOPMed below 0.00001.

Submission:

Ambry Genetics
Classification: Uncertain significance for Hereditary cancer-predisposing syndrome. Last evaluated: 2022-08-17. Review status: criteria provided, single submitter. Criteria: Ambry Variant Classification Scheme 2023. Collection method: clinical testing. Allele origin: germline.
Comment: The p.E755G variant (also known as c.2264A>G), located in coding exon 16 of the MSH3 gene, results from an A to G substitution at nucleotide position 2264. The glutamic acid at codon 755 is replaced by glycine, an amino acid with similar properties. This amino acid position is conserved. In addition, this alteration is predicted to be deleterious by in silico analysis. Since supporting evidence is limited at this time, the clinical significance of this alteration remains unclear.

NM_002439.5(MSH3):c.2264A>G (p.Glu755Gly)

Gene: MSH3 (mutS homolog 3; plus strand). Cytogenetic location: 5q14.1.
Variant type: single nucleotide variant.
Coding change: c.2264A>G on transcript NM_002439.5 (MANE Select); coding-DNA position 2264, A replaced by G.
Protein change: p.Glu755Gly; replaces glutamic acid 755 with glycine.
Molecular consequence: missense variant.
Genome position (GRCh38, 1-based): chr5:80,775,704, A>G. VCF-style: chr5-80775704-A-G. GRCh37 (hg19) VCF-style: chr5-80071523-A-G.
Other names: short protein forms E755G.
Identifiers: ClinVar variation 1788676 (VCV001788676.2), dbSNP rs1744285598, ClinGen allele CA360280714.